The following is an entry in ClinVar:

ClinVar aggregate classification (germline): Uncertain significance (1 of 4 stars; one submission).

Submission:

Labcorp Genetics (formerly Invitae), Labcorp
Classification: Uncertain significance. Last evaluated: 2022-03-13. Review status: criteria provided, single submitter. Criteria: Invitae Variant Classification Sherloc (09022015). Collection method: clinical testing. Allele origin: germline.
Comment: This sequence change replaces glutamic acid, which is acidic and polar, with aspartic acid, which is acidic and polar, at codon 480 of the SRCAP protein (p.Glu480Asp). In summary, the available evidence is currently insufficient to determine the role of this variant in disease. Therefore, it has been classified as a Variant of Uncertain Significance. Algorithms developed to predict the effect of missense changes on protein structure and function output the following: SIFT: "Tolerated"; PolyPhen-2: "Not Available"; Align-GVGD: "Class C0". The aspartic acid amino acid residue is found in multiple mammalian species, which suggests that this missense change does not adversely affect protein function. This variant has not been reported in the literature in individuals affected with SRCAP-related conditions. This variant is not present in population databases (gnomAD no frequency).

NM_006662.3(SRCAP):c.1440G>C (p.Glu480Asp)

Gene: SRCAP (Snf2 related CREBBP activator protein; plus strand). Cytogenetic location: 16p11.2.
Variant type: single nucleotide variant.
Coding change: c.1440G>C on transcript NM_006662.3 (MANE Select); coding-DNA position 1440, G replaced by C.
Protein change: p.Glu480Asp; replaces glutamic acid 480 with aspartic acid.
Molecular consequence: missense variant.
Genome position (GRCh38, 1-based): chr16:30,711,692, G>C. VCF-style: chr16-30711692-G-C. GRCh37 (hg19) VCF-style: chr16-30723013-G-C.
Other names: short protein forms E480D.
Identifiers: ClinVar variation 2110835 (VCV002110835.4), dbSNP rs2506628376, ClinGen allele CA395603859.